The following is an entry in ClinVar:

ClinVar aggregate classification (germline): Conflicting classifications of pathogenicity. Review status: criteria provided, conflicting classifications (1 of 4 stars). 16 submissions from 16 submitters: Uncertain significance (1); Benign (5); Likely benign (6). 4 of the submissions do not count toward it. Last evaluated 2026-09-21.

Conditions:
Cardiovascular phenotype. Identifiers: MedGen CN230736.
Arrhythmogenic right ventricular cardiomyopathy (ARVD). Also called: Arrhythmogenic cardiomyopathy; Arrhythmogenic Right Ventricular Cardiomyopathy (ARVC); Cardiomyopathy, ARVC; Arrhythmogenic right ventricular dysplasia. Identifiers: Orphanet 247, MedGen C0349788, MeSH D019571, MONDO:0016587. Disease mechanism: loss of function. Inheritance: Various modes of inheritance.
Arrhythmogenic right ventricular dysplasia 10. Also called: Arrhythmogenic Right Ventricular Dysplasia/Cardiomyopathy10; Arrhythmogenic right ventricular dysplasia/cardiomyopathy, type 10; ARRHYTHMOGENIC RIGHT VENTRICULAR DYSPLASIA, FAMILIAL, 10. Identifiers: MedGen C1857777, MONDO:0012434, OMIM 610193.
Cardiomyopathy (CMYO). Also called: Cardiomyopathies. Identifiers: Orphanet 167848, MedGen C0878544, MONDO:0004994, HP:0001638. Inheritance: Various modes of inheritance.

Allele frequency attached by ClinVar (database versions not stated): gnomAD 0.00010 and 0.00018; ExAC 0.00027; 1000 Genomes Project 0.00160; TOPMed 0.00014; 1000 Genomes Project 30x 0.00141; ESP Exome Variant Server 0.00008.
gnomAD v4.1: 184 of 1,614,154 alleles (0.011%); highest among the groups gnomAD compares: East Asian, 0.17%; 1 homozygote.

Submissions (16):

Molecular Diagnostic Laboratory for Inherited Cardiovascular Disease, Montreal Heart Institute
Classification: Benign. Last evaluated: 2026-09-21. Review status: criteria provided, single submitter. Criteria: ACMG Guidelines, 2015. Collection method: clinical testing. Allele origin: germline. Affected: no.

Labcorp Genetics (formerly Invitae), Labcorp
Classification: Benign for Arrhythmogenic right ventricular dysplasia 10. Last evaluated: 2026-01-31. Review status: criteria provided, single submitter. Criteria: Invitae Variant Classification Sherloc (09022015). Collection method: clinical testing. Allele origin: germline.

Mayo Clinic Laboratories, Mayo Clinic
Classification: Likely benign. Last evaluated: 2025-09-10. Review status: criteria provided, single submitter. Criteria: ACMG Guidelines, 2015. Collection method: clinical testing. Allele origin: germline. Observed: 1 variant allele.
Comment: BS1, BP4, BP7

Blueprint Genetics
Classification: Likely benign. Last evaluated: 2024-10-23. Review status: criteria provided, single submitter. Criteria: ACMG Guidelines, 2015. Collection method: clinical testing. Allele origin: germline.

All of Us Research Program, National Institutes of Health
Classification: Benign for Arrhythmogenic right ventricular cardiomyopathy. Last evaluated: 2023-12-18. Review status: criteria provided, single submitter. Criteria: ACMG Guidelines, 2015. Collection method: clinical testing. Allele origin: germline. Inheritance: Autosomal dominant inheritance. Observed: 24 variant alleles, 24 heterozygotes.
Comment: This study involves interpretation of variants in research participants for the purpose of population health screening. Participant phenotype was not available at the time of variant classification. Additional details can be found in publication PMID: 35346344, PMCID: PMC8962531

Women's Health and Genetics/Laboratory Corporation of America, LabCorp
Classification: Likely benign. Last evaluated: 2023-07-29. Review status: criteria provided, single submitter. Criteria: LabCorp Variant Classification Summary - May 2015. Collection method: clinical testing. Allele origin: germline.

Color Diagnostics, LLC DBA Color Health
Classification: Benign for Cardiomyopathy. Last evaluated: 2018-05-11. Review status: criteria provided, single submitter. Criteria: ACMG Guidelines, 2015. Collection method: clinical testing. Allele origin: germline.

Illumina Laboratory Services, Illumina
Classification: Uncertain significance for Arrhythmogenic right ventricular dysplasia 10. Last evaluated: 2018-02-02. Review status: criteria provided, single submitter. Criteria: ICSL Variant Classification Criteria 13 December 2019. Collection method: clinical testing. Allele origin: germline.

CHEO Genetics Diagnostic Laboratory, Children's Hospital of Eastern Ontario
Classification: Likely benign for Cardiomyopathy. Last evaluated: 2017-09-25. Review status: criteria provided, single submitter. Criteria: ACMG Guidelines, 2015. Collection method: clinical testing. Allele origin: germline. Study: Canadian Open Genetics Repository.

Ambry Genetics
Classification: Likely benign for Cardiovascular phenotype. Last evaluated: 2016-06-24. Review status: criteria provided, single submitter. Criteria: Ambry Variant Classification Scheme 2023. Collection method: clinical testing. Allele origin: germline.

GeneDx
Classification: Benign. Last evaluated: 2014-07-22. Review status: criteria provided, single submitter. Criteria: GeneDx Variant Classification (06012015). Collection method: clinical testing. Allele origin: germline. Affected: yes.
Comment: This variant is considered likely benign or benign based on one or more of the following criteria: it is a conservative change, it occurs at a poorly conserved position in the protein, it is predicted to be benign by multiple in silico algorithms, and/or has population frequency not consistent with disease.

Laboratory for Molecular Medicine, Mass General Brigham Personalized Medicine
Classification: Likely benign. Last evaluated: 2013-02-01. Review status: criteria provided, single submitter. Criteria: LMM Criteria. Collection method: clinical testing. Allele origin: germline. Observed: 2 variant alleles.
Comment: Thr881Thr in exon 15 of DSG2: This variant is not expected to have clinical sign ificance because it does not alter an amino acid residue and is not located with in the splice consensus sequence. It has been identified in 1/3734 African Ameri can chromosomes from a broad population by the NHLBI Exome Sequencing Project (dbSNP rs180695545). Thr881Thr in exon 15 of D SG2 (rs180695545; allele frequency = 1/3734) **

Clinical Genetics DNA and cytogenetics Diagnostics Lab, Erasmus MC, Erasmus Medical Center
Classification: Likely benign. Review status: no assertion criteria provided. Collection method: clinical testing. Allele origin: germline. Affected: yes. Study: VKGL Data-share Consensus. Not counted in ClinVar's aggregate classification.

Clinical Genetics, Academic Medical Center
Classification: Benign. Review status: no assertion criteria provided. Collection method: clinical testing. Allele origin: germline. Affected: yes. Study: VKGL Data-share Consensus. Not counted in ClinVar's aggregate classification.

Genome Diagnostics Laboratory, University Medical Center Utrecht
Classification: Likely benign. Review status: no assertion criteria provided. Collection method: clinical testing. Allele origin: germline. Affected: yes. Study: VKGL Data-share Consensus. Not counted in ClinVar's aggregate classification.

Joint Genome Diagnostic Labs from Nijmegen and Maastricht, Radboudumc and MUMC+
Classification: Likely benign. Review status: no assertion criteria provided. Collection method: clinical testing. Allele origin: germline. Affected: yes. Study: VKGL Data-share Consensus. Not counted in ClinVar's aggregate classification.

NM_001943.5(DSG2):c.2643C>T (p.Thr881=)

Genes: DSG2 (desmoglein 2; plus strand), DSG2-AS1 (DSG2 antisense RNA 1; minus strand). Cytogenetic location: 18q12.1.
Variant type: single nucleotide variant.
Coding change: c.2643C>T on transcript NM_001943.5 (MANE Select); coding-DNA position 2643, C replaced by T.
Protein change: p.Thr881=; no amino-acid change (threonine 881 retained).
Molecular consequence: synonymous variant.
Genome position (GRCh38, 1-based): chr18:31,546,029, C>T. VCF-style: chr18-31546029-C-T. GRCh37 (hg19) VCF-style: chr18-29125992-C-T.
Other names: p.T881T:ACC>ACT; p.Thr881=.
Identifiers: ClinVar variation 44305 (VCV000044305.36), dbSNP rs180695545, ClinGen allele CA021838.